The following is an entry in ClinVar:

NM_000512.5(GALNS):c.306C>T (p.Ala102=)

Gene: GALNS (galactosamine (N-acetyl)-6-sulfatase; minus strand). Cytogenetic location: 16q24.3.
Variant type: single nucleotide variant.
Coding change: c.306C>T on transcript NM_000512.5 (MANE Select); coding-DNA position 306, C replaced by T.
Protein change: p.Ala102=; no amino-acid change (alanine 102 retained).
Molecular consequence: synonymous variant. On other transcripts: 5 prime UTR variant (1).
Genome position (GRCh38, 1-based): chr16:88,841,910, G>A on the plus strand (C>T on the coding strand, the complement: GALNS is on the minus strand). VCF-style: chr16-88841910-G-A. GRCh37 (hg19) VCF-style: chr16-88908318-G-A.
Other names: c.-250C>T (NM_001323543.2); c.324C>T, p.Ala108= (NM_001323544.2).
Identifiers: ClinVar variation 2061891 (VCV002061891.28), dbSNP rs149750105, ClinGen allele CA8235218.

ClinVar aggregate classification (germline): Likely benign. Review status: criteria provided, multiple submitters, no conflicts (2 of 4 stars). 2 submissions from 2 submitters: Likely benign (2). Last evaluated 2024-02-25.

Conditions:
Mucopolysaccharidosis, MPS-IV-A (MPS4A). Also called: Mucopolysaccharidosis Type IVA; mucopolysaccharidosis type 4A; Morquio syndrome A, mild; MORQUIO SYNDROME A; Mucopolysaccharidosis type IV A; MPS IVA. Identifiers: Orphanet 309297, Orphanet 582, MedGen C0086651, MONDO:0009659, OMIM 253000.

Allele frequency attached by ClinVar (database versions not stated): gnomAD exomes 0.00004; gnomAD 0.00006; ESP Exome Variant Server 0.00008; TOPMed 0.00008; ExAC 0.00009.
gnomAD v4.1: 64 of 1,613,242 alleles (0.004%); highest among the groups gnomAD compares: Middle Eastern, 0.033%; no homozygotes.

Submissions (2):

Labcorp Genetics (formerly Invitae), Labcorp
Classification: Likely benign for Mucopolysaccharidosis, MPS-IV-A. Last evaluated: 2024-02-25. Review status: criteria provided, single submitter. Criteria: Invitae Variant Classification Sherloc (09022015). Collection method: clinical testing. Allele origin: germline.

CeGaT Center for Human Genetics Tuebingen
Classification: Likely benign. Last evaluated: 2022-04-01. Review status: criteria provided, single submitter. Criteria: CeGaT Center For Human Genetics Tuebingen Variant Classification Criteria Version 2. Collection method: clinical testing. Allele origin: germline. Affected: yes. Observed: 1 variant allele.
Comment: GALNS: BP4, BP7